The following is an entry in ClinVar:

ClinVar aggregate classification (germline): Uncertain significance (1 of 4 stars; one submission).

Conditions:
Desbuquois dysplasia 1 (DBQD1). Also called: DESBUQUOIS DYSPLASIA 1, KIM VARIANT; MICROMELIC DWARFISM WITH VERTEBRAL AND METAPHYSEAL ABNORMALITIES AND ADVANCED CARPOTARSAL OSSIFICATION. Identifiers: Orphanet 1425, MedGen C4012146, MONDO:0009629, OMIM 251450.

Allele frequency attached by ClinVar (database versions not stated): gnomAD exomes below 0.00001 and 0.00002; gnomAD 0.00001; TOPMed 0.00001.
gnomAD v4.1: 10 of 1,614,034 alleles (0.00062%); highest among the groups gnomAD compares: Admixed American, 0.012%; no homozygotes.

Submission:

Labcorp Genetics (formerly Invitae), Labcorp
Classification: Uncertain significance for Desbuquois dysplasia 1. Last evaluated: 2022-08-23. Review status: criteria provided, single submitter. Criteria: Invitae Variant Classification Sherloc (09022015). Collection method: clinical testing. Allele origin: germline.
Comment: In summary, the available evidence is currently insufficient to determine the role of this variant in disease. Therefore, it has been classified as a Variant of Uncertain Significance. Algorithms developed to predict the effect of missense changes on protein structure and function are either unavailable or do not agree on the potential impact of this missense change (SIFT: "Deleterious"; PolyPhen-2: "Benign"; Align-GVGD: "Class C25"). ClinVar contains an entry for this variant (Variation ID: 1519703). This variant has not been reported in the literature in individuals affected with XYLT1-related conditions. This variant is present in population databases (no rsID available, gnomAD 0.01%). This sequence change replaces proline, which is neutral and non-polar, with serine, which is neutral and polar, at codon 170 of the XYLT1 protein (p.Pro170Ser).

NM_022166.4(XYLT1):c.508C>T (p.Pro170Ser)

Genes: XYLT1 (xylosyltransferase 1; minus strand), LOC130058566 (ATAC-STARR-seq lymphoblastoid active region 10505; plus strand). Cytogenetic location: 16p12.3.
Variant type: single nucleotide variant.
Coding change: c.508C>T on transcript NM_022166.4 (MANE Select); coding-DNA position 508, C replaced by T.
Protein change: p.Pro170Ser; replaces proline 170 with serine.
Molecular consequence: missense variant.
Genome position (GRCh38, 1-based): chr16:17,259,393, G>A on the plus strand (C>T on the coding strand, the complement: XYLT1 is on the minus strand). VCF-style: chr16-17259393-G-A. GRCh37 (hg19) VCF-style: chr16-17353250-G-A.
Other names: short protein forms P170S.
Identifiers: ClinVar variation 1519703 (VCV001519703.6), dbSNP rs1284737489, ClinGen allele CA394892885.